The following is an entry in ClinVar:

ClinVar aggregate classification (germline): Uncertain significance (1 of 4 stars; one submission).

Conditions:
Kostmann syndrome (SCN3). Also called: Autosomal recessive severe congenital neutropenia type 3; KOSTMANN DISEASE. Identifiers: Orphanet 99749, MedGen C5235141, MONDO:0012548, OMIM 610738.

Submission:

Labcorp Genetics (formerly Invitae), Labcorp
Classification: Uncertain significance for Kostmann syndrome. Last evaluated: 2022-03-27. Review status: criteria provided, single submitter. Criteria: Invitae Variant Classification Sherloc (09022015). Collection method: clinical testing. Allele origin: germline.
Comment: This sequence change replaces leucine, which is neutral and non-polar, with proline, which is neutral and non-polar, at codon 187 of the HAX1 protein (p.Leu187Pro). In summary, the available evidence is currently insufficient to determine the role of this variant in disease. Therefore, it has been classified as a Variant of Uncertain Significance. Algorithms developed to predict the effect of missense changes on protein structure and function are either unavailable or do not agree on the potential impact of this missense change (SIFT: "Deleterious"; PolyPhen-2: "Probably Damaging"; Align-GVGD: "Class C0"). This variant has not been reported in the literature in individuals affected with HAX1-related conditions. This variant is not present in population databases (gnomAD no frequency).

NM_006118.4(HAX1):c.560T>C (p.Leu187Pro)

Gene: HAX1 (HCLS1 associated protein X-1; plus strand). Cytogenetic location: 1q21.3.
Variant type: single nucleotide variant.
Coding change: c.560T>C on transcript NM_006118.4 (MANE Select); coding-DNA position 560, T replaced by C.
Protein change: p.Leu187Pro; replaces leucine 187 with proline.
Molecular consequence: missense variant.
Genome position (GRCh38, 1-based): chr1:154,275,157, T>C. VCF-style: chr1-154275157-T-C. GRCh37 (hg19) VCF-style: chr1-154247633-T-C.
Other names: c.416T>C, p.Leu139Pro (NM_001018837.2); short protein forms L139P, L187P.
Identifiers: ClinVar variation 2118464 (VCV002118464.4), dbSNP rs2524937901, ClinGen allele CA342593547.
Genomic context (GRCh38, chr1:154,275,157, plus strand): 5'-CTCCTTTTTTCCTTTGGACTCTTTCTCTCCTGCTTCTTCATCTCTCTGCTCTTCCAGATC[T>C]TGATTCCCAGGTTTCCCAGGAGGGTCTTGGCCCGGTTCTACAGCCCCAGCCCAAATCCTA-3'
Protein context (NP_006109.2, residues 177-197): PHPRTREDND[Leu187Pro]DSQVSQEGLG